The following is an entry in ClinVar:

ClinVar aggregate classification (germline): Uncertain significance (1 of 4 stars; one submission).

Conditions:
Hereditary cancer-predisposing syndrome. Also called: Neoplastic Syndromes, Hereditary; Tumor predisposition; Hereditary neoplastic syndrome; Hereditary Cancer Syndrome. Identifiers: Orphanet 140162, MedGen C0027672, MeSH D009386, MONDO:0015356.

Submission:

Ambry Genetics
Classification: Uncertain significance for Hereditary cancer-predisposing syndrome. Last evaluated: 2023-11-29. Review status: criteria provided, single submitter. Criteria: Ambry Variant Classification Scheme 2023. Collection method: clinical testing. Allele origin: germline.
Comment: The p.F1150L variant (also known as c.3450C>G), located in coding exon 24 of the SMARCA4 gene, results from a C to G substitution at nucleotide position 3450. The phenylalanine at codon 1150 is replaced by leucine, an amino acid with highly similar properties. This amino acid position is highly conserved in available vertebrate species. In addition, the in silico prediction for this alteration is inconclusive. Missense and in-frame variants in SMARCA4 are known to cause neurodevelopmental disorders; however, such associations with rhabdoid tumor predisposition syndrome including small cell carcinoma of the ovary-hypercalcemic type (SCCOHT) are exceedingly rare (Kosho T et al. Am J Med Genet C Semin Med Genet. 2014 Sep;166C(3):262-75; Jelinic P et al. Nat Genet. 2014 May;46(5):424-6). Since supporting evidence is limited at this time, the clinical significance of this alteration remains unclear.

NM_003072.5(SMARCA4):c.3450C>G (p.Phe1150Leu)

Gene: SMARCA4 (SWI/SNF related BAF chromatin remodeling complex subunit ATPase 4; plus strand). Cytogenetic location: 19p13.2.
Variant type: single nucleotide variant.
Coding change: c.3450C>G on transcript NM_003072.5 (MANE Select); coding-DNA position 3450, C replaced by G.
Protein change: p.Phe1150Leu; replaces phenylalanine 1150 with leucine.
Molecular consequence: missense variant. On other transcripts: non-coding transcript variant (1).
Genome position (GRCh38, 1-based): chr19:11,030,797, C>G. VCF-style: chr19-11030797-C-G. GRCh37 (hg19) VCF-style: chr19-11141473-C-G.
Other names: c.3450C>G, p.Phe1150Leu (NM_001128844.3, NM_001128845.2, NM_001128846.2 and 6 more transcripts); short protein forms F1150L.
Identifiers: ClinVar variation 3233107 (VCV003233107.1), dbSNP rs2074875389, ClinGen allele CA404062867.
Genomic context (GRCh38, chr19:11,030,797, plus strand): 5'-GAAGGCGGAGGACCGGGGCATGCTGCTGAAAACCTTCAACGAGCCCGGCTCTGAGTACTT[C>G]ATCTTCCTGCTCAGCACCCGGGCTGGGGGGCTCGGCCTGAACCTCCAGTCGGCAGACACT-3'
Protein context (NP_003063.2, residues 1140-1160): KTFNEPGSEY[Phe1150Leu]IFLLSTRAGG